The following is an entry in ClinVar:

NM_004991.4(MECOM):c.1061G>A (p.Gly354Asp)

Gene: MECOM (MDS1 and EVI1 complex locus; minus strand). Cytogenetic location: 3q26.2.
Variant type: single nucleotide variant.
Coding change: c.1061G>A on transcript NM_004991.4 (MANE Select); coding-DNA position 1061, G replaced by A.
Protein change: p.Gly354Asp; replaces glycine 354 with aspartic acid.
Molecular consequence: missense variant.
Genome position (GRCh38, 1-based): chr3:169,121,127, C>T on the plus strand (G>A on the coding strand, the complement: MECOM is on the minus strand). VCF-style: chr3-169121127-C-T. GRCh37 (hg19) VCF-style: chr3-168838915-C-T.
Other names: c.692G>A, p.Gly231Asp (NM_001105077.4); c.497G>A, p.Gly166Asp (NM_001105078.4, NM_001164000.2, NM_001205194.2 and 5 more transcripts); c.500G>A, p.Gly167Asp (NM_001163999.2, NM_001366467.2, NM_001366468.2 and 1 more transcripts); c.1061G>A, p.Gly354Asp (NM_001366466.2, NM_001366473.2); short protein forms G166D, G231D, G354D, G167D.
Identifiers: ClinVar variation 3871586 (VCV003871586.1).
Genomic context (GRCh38, chr3:169,121,127, plus strand): 5'-TTCACACTGCTGTGGATGTGCTTGTGTTGTTTGAGGCCCGACGAAGTGGCAAACGTTTTG[C>T]CACACTCCGGGCATGCATGGGCCCGGGCACCGACATGCTGAGAGCGAATGTGCCGCTGAA-3'
Protein context (NP_004982.2, residues 344-364): GARAHACPEC[Gly354Asp]KTFATSSGLK

ClinVar aggregate classification (germline): Uncertain significance (1 of 4 stars; one submission).

Conditions:
Inborn genetic diseases. Identifiers: MedGen C0950123, MeSH D030342.

gnomAD v4.1: 1 of 1,613,650 alleles (0.000062%); highest among the groups gnomAD compares: Non-Finnish European, 0.000085%; no homozygotes.

Submission:

Ambry Genetics
Classification: Uncertain significance for Inborn genetic diseases. Last evaluated: 2024-12-12. Review status: criteria provided, single submitter. Criteria: Ambry Variant Classification Scheme 2023. Collection method: clinical testing. Allele origin: germline.
Comment: The p.G354D variant (also known as c.1061G>A), located in coding exon 7 of the MECOM gene, results from a G to A substitution at nucleotide position 1061. The glycine at codon 354 is replaced by aspartic acid, an amino acid with similar properties. This amino acid position is conserved. In addition, the in silico prediction for this alteration is inconclusive. Based on the available evidence, the clinical significance of this variant remains unclear.